The following is an entry in ClinVar:

ClinVar aggregate classification (germline): Uncertain significance (1 of 4 stars; one submission).

gnomAD v4.1: 5 of 1,210,010 alleles (0.00041%); highest among the groups gnomAD compares: East Asian, 0.015%; no homozygotes.

Submission:

GeneDx
Classification: Uncertain significance. Last evaluated: 2025-05-06. Review status: criteria provided, single submitter. Criteria: GeneDx Variant Classification Process June 2021. Collection method: clinical testing. Allele origin: germline. Affected: yes.
Comment: Not observed at significant frequency in large population cohorts (gnomAD); In silico analysis supports that this missense variant does not alter protein structure/function; Has not been previously published as pathogenic or benign to our knowledge

NM_001367721.1(CASK):c.2482G>C (p.Glu828Gln)

Gene: CASK (calcium/calmodulin dependent serine protein kinase; minus strand). Cytogenetic location: Xp11.4.
Variant type: single nucleotide variant.
Coding change: c.2482G>C on transcript NM_001367721.1 (MANE Select); coding-DNA position 2482, G replaced by C.
Protein change: p.Glu828Gln; replaces glutamic acid 828 with glutamine.
Molecular consequence: missense variant.
Genome position (GRCh38, 1-based): chrX:41,531,045, C>G on the plus strand (G>C on the coding strand, the complement: CASK is on the minus strand). VCF-style: chrX-41531045-C-G. GRCh37 (hg19) VCF-style: chrX-41390298-C-G.
Other names: c.2398G>C, p.Glu800Gln (NM_001126054.3); c.2395G>C, p.Glu799Gln (NM_001126055.3); c.2464G>C, p.Glu822Gln (NM_001410745.1); c.2467G>C, p.Glu823Gln (NM_003688.4); short protein forms E822Q, E823Q, E828Q, E799Q, E800Q.
Identifiers: ClinVar variation 4527010 (VCV004527010.1).